The following is an entry in ClinVar:

NM_012203.2(GRHPR):c.160G>A (p.Gly54Ser)

Gene: GRHPR (glyoxylate and hydroxypyruvate reductase; plus strand). Cytogenetic location: 9p13.2.
Variant type: single nucleotide variant.
Coding change: c.160G>A on transcript NM_012203.2 (MANE Select); coding-DNA position 160, G replaced by A.
Protein change: p.Gly54Ser; replaces glycine 54 with serine.
Molecular consequence: missense variant.
Genome position (GRCh38, 1-based): chr9:37,424,921, G>A. VCF-style: chr9-37424921-G-A. GRCh37 (hg19) VCF-style: chr9-37424918-G-A.
Other names: short protein forms G54S.
Identifiers: ClinVar variation 2572955 (VCV002572955.7), dbSNP rs756085471, ClinGen allele CA5058945.

ClinVar aggregate classification (germline): Uncertain significance. Review status: criteria provided, multiple submitters, no conflicts (2 of 4 stars). 5 submissions from 5 submitters: Uncertain significance (4). 1 of the submissions does not count toward it. Last evaluated 2025-11-06.

Conditions:
Nephrolithiasis/nephrocalcinosis. Identifiers: MedGen CN580796.
Primary hyperoxaluria, type II (HP2). Also called: D-GLYCERATE DEHYDROGENASE DEFICIENCY; GLYCERIC ACIDURIA; GLYOXYLATE REDUCTASE/HYDROXYPYRUVATE REDUCTASE DEFICIENCY; OXALOSIS II; Primary hyperoxaluria type 2. Identifiers: Orphanet 416, Orphanet 93599, MedGen C0268165, MONDO:0009824, OMIM 260000. Disease mechanism: loss of function.

Allele frequency attached by ClinVar (database versions not stated): ExAC 0.00005.
gnomAD v4.1: 38 of 1,611,572 alleles (0.0024%); highest among the groups gnomAD compares: East Asian, 0.022%; no homozygotes.

Submissions (5):

Myriad Genetics, Inc.
Classification: Uncertain significance for Primary hyperoxaluria, type II. Last evaluated: 2025-11-06. Review status: criteria provided, single submitter. Criteria: Myriad Autosomal Dominant, Autosomal Recessive and X-Linked Classification Criteria (2023). Collection method: clinical testing. Allele origin: unknown.
Comment: NM_012203.1(GRHPR):c.160G>A(G54S) is a missense variant classified as a variant of uncertain significance in the context of primary hyperoxaluria type 2. G54S has been observed in a case with relevant disease (PMID: 38727838). Relevant functional assessments of this variant are not available in the literature. G54S has been observed in referenced population frequency databases. In summary, there is insufficient evidence to classify NM_012203.1(GRHPR):c.160G>A(G54S) as pathogenic or benign. Please note: this variant was assessed in the context of healthy population screening.

Ambry Genetics
Classification: Uncertain significance for Nephrolithiasis/nephrocalcinosis. Last evaluated: 2024-08-31. Review status: criteria provided, single submitter. Criteria: Ambry Variant Classification Scheme 2023. Collection method: clinical testing. Allele origin: germline.
Comment: The p.G54S variant (also known as c.160G>A), located in coding exon 2 of the GRHPR gene, results from a G to A substitution at nucleotide position 160. The glycine at codon 54 is replaced by serine, an amino acid with similar properties. This amino acid position is conserved. In addition, the in silico prediction for this alteration is inconclusive. Based on the available evidence, the clinical significance of this variant remains unclear.

Fulgent Genetics
Classification: Uncertain significance for Primary hyperoxaluria, type II. Last evaluated: 2024-06-17. Review status: criteria provided, single submitter. Criteria: ACMG Guidelines, 2015. Collection method: clinical testing. Allele origin: germline.

GeneDx
Classification: Uncertain significance. Last evaluated: 2023-07-16. Review status: criteria provided, single submitter. Criteria: GeneDx Variant Classification Process June 2021. Collection method: clinical testing. Allele origin: germline. Affected: yes.
Comment: In silico analysis supports that this missense variant has a deleterious effect on protein structure/function; Has not been previously published as pathogenic or benign to our knowledge

Chinese Inherited Urolithiasis Consortium, The Affiliated Yantai Yuhuangding Hospital of Qingdao University
Classification: Likely pathogenic for Primary hyperoxaluria, type II. Last evaluated: 2024-08-26. Review status: no assertion criteria provided. Collection method: clinical testing. Allele origin: maternal. Affected: yes. Observed: 1 variant allele. Not counted in ClinVar's aggregate classification.

Literature cited by the submitters: PubMed 38727838 (cited by Myriad Genetics, Inc.).